The following is an entry in ClinVar:

ClinVar aggregate classification (germline): Uncertain significance (1 of 4 stars; one submission).

Conditions:
Epidermodysplasia verruciformis. Identifiers: Orphanet 302, MedGen C0014522, MONDO:0009176.

gnomAD v4.1: 1 of 1,599,474 alleles (0.000063%); highest among the groups gnomAD compares: Non-Finnish European, 0.000085%; no homozygotes.

Submission:

Labcorp Genetics (formerly Invitae), Labcorp
Classification: Uncertain significance for Epidermodysplasia verruciformis. Last evaluated: 2024-12-09. Review status: criteria provided, single submitter. Criteria: Invitae Variant Classification Sherloc (09022015). Collection method: clinical testing. Allele origin: germline.
Comment: This sequence change replaces valine with leucine at codon 424 of the TMC6 protein (p.Val424Leu). The valine residue is weakly conserved and there is a small physicochemical difference between valine and leucine. This variant is not present in population databases (gnomAD no frequency). This variant has not been reported in the literature in individuals affected with TMC6-related conditions. ClinVar contains an entry for this variant (Variation ID: 1365667). An algorithm developed to predict the effect of missense changes on protein structure and function outputs the following: PolyPhen-2: "Benign". The leucine amino acid residue is found in multiple mammalian species, which suggests that this missense change does not adversely affect protein function. In summary, the available evidence is currently insufficient to determine the role of this variant in disease. Therefore, it has been classified as a Variant of Uncertain Significance.

NM_001127198.5(TMC6):c.1270G>T (p.Val424Leu)

Gene: TMC6 (transmembrane channel like 6; minus strand). Cytogenetic location: 17q25.3.
Variant type: single nucleotide variant.
Coding change: c.1270G>T on transcript NM_001127198.5 (MANE Select); coding-DNA position 1270, G replaced by T.
Protein change: p.Val424Leu; replaces valine 424 with leucine.
Molecular consequence: missense variant. On other transcripts: non-coding transcript variant (4).
Genome position (GRCh38, 1-based): chr17:78,121,669, C>A on the plus strand (G>T on the coding strand, the complement: TMC6 is on the minus strand). VCF-style: chr17-78121669-C-A. GRCh37 (hg19) VCF-style: chr17-76117750-C-A.
Other names: c.1270G>T, p.Val424Leu (NM_001321185.1, NM_001374593.1, NM_001374594.1 and 4 more transcripts); short protein forms V424L.
Identifiers: ClinVar variation 1365667 (VCV001365667.8), dbSNP rs747391950, ClinGen allele CA401230077.